The following is an entry in ClinVar:

NM_000094.4(COL7A1):c.2023C>A (p.Pro675Thr)

Gene: COL7A1 (collagen type VII alpha 1 chain; minus strand). Cytogenetic location: 3p21.31.
Variant type: single nucleotide variant.
Coding change: c.2023C>A on transcript NM_000094.4 (MANE Select); coding-DNA position 2023, C replaced by A.
Protein change: p.Pro675Thr; replaces proline 675 with threonine.
Molecular consequence: missense variant.
Genome position (GRCh38, 1-based): chr3:48,590,240, G>T on the plus strand (C>A on the coding strand, the complement: COL7A1 is on the minus strand). VCF-style: chr3-48590240-G-T. GRCh37 (hg19) VCF-style: chr3-48627673-G-T.
Other names: short protein forms P675T.
Identifiers: ClinVar variation 3628284 (VCV003628284.2).

ClinVar aggregate classification (germline): Uncertain significance (1 of 4 stars; one submission).

gnomAD v4.1: 2 of 1,613,646 alleles (0.00012%); highest among the groups gnomAD compares: African/African-American, 0.0027%; no homozygotes.

Submission:

Labcorp Genetics (formerly Invitae), Labcorp
Classification: Uncertain significance. Last evaluated: 2024-09-30. Review status: criteria provided, single submitter. Criteria: Invitae Variant Classification Sherloc (09022015). Collection method: clinical testing. Allele origin: germline.
Comment: This sequence change replaces proline, which is neutral and non-polar, with threonine, which is neutral and polar, at codon 675 of the COL7A1 protein (p.Pro675Thr). This variant is not present in population databases (gnomAD no frequency). This variant has not been reported in the literature in individuals affected with COL7A1-related conditions. Invitae Evidence Modeling of protein sequence and biophysical properties (such as structural, functional, and spatial information, amino acid conservation, physicochemical variation, residue mobility, and thermodynamic stability) indicates that this missense variant is not expected to disrupt COL7A1 protein function with a negative predictive value of 95%. In summary, the available evidence is currently insufficient to determine the role of this variant in disease. Therefore, it has been classified as a Variant of Uncertain Significance.